The following is an entry in ClinVar:

NM_016026.4(RDH11):c.363C>T (p.Leu121=)

Genes: GPHN (gephyrin; plus strand), RDH11 (retinol dehydrogenase 11; minus strand). Cytogenetic location: 14q24.1.
Variant type: single nucleotide variant.
Coding change: c.363C>T on transcript NM_016026.4 (MANE Select); coding-DNA position 363, C replaced by T.
Protein change: p.Leu121=; no amino-acid change (leucine 121 retained).
Molecular consequence: synonymous variant.
Genome position (GRCh38, 1-based): chr14:67,691,231, G>A on the plus strand (C>T on the coding strand, the complement: RDH11 is on the minus strand). VCF-style: chr14-67691231-G-A. GRCh37 (hg19) VCF-style: chr14-68157948-G-A.
Other names: c.363C>T (NM_016026.3); c.363C>T, p.Leu121= (NM_001252650.2).
Identifiers: ClinVar variation 1603593 (VCV001603593.11), dbSNP rs868005645, ClinGen allele CA262795644.

ClinVar aggregate classification (germline): Likely benign. Review status: criteria provided, multiple submitters, no conflicts (2 of 4 stars). 4 submissions from 4 submitters: Likely benign (4). Last evaluated 2025-07-30.

Conditions:
RDH11-related disorder. Also called: RDH11-related condition.

Allele frequency attached by ClinVar (database versions not stated): gnomAD exomes 0.00002 and 0.00007; TOPMed 0.00002.
gnomAD v4.1: 42 of 1,613,642 alleles (0.0026%); highest among the groups gnomAD compares: Middle Eastern, 0.59%; no homozygotes.

Submissions (4):

Labcorp Genetics (formerly Invitae), Labcorp
Classification: Likely benign. Last evaluated: 2025-07-30. Review status: criteria provided, single submitter. Criteria: Invitae Variant Classification Sherloc (09022015). Collection method: clinical testing. Allele origin: germline.

PreventionGenetics, part of Exact Sciences
Classification: Likely benign for RDH11-related condition. Last evaluated: 2024-11-24. Review status: criteria provided, single submitter. Criteria: ACMG Guidelines, 2015. Collection method: clinical testing. Allele origin: germline.
Comment: This variant is classified as likely benign based on ACMG/AMP sequence variant interpretation guidelines (Richards et al. 2015 PMID: 25741868, with internal and published modifications).

Blueprint Genetics
Classification: Likely benign. Last evaluated: 2024-07-17. Review status: criteria provided, single submitter. Criteria: ACMG Guidelines, 2015. Collection method: clinical testing. Allele origin: germline.

Breakthrough Genomics
Classification: Likely benign. Review status: criteria provided, single submitter. Criteria: ACMG Guidelines, 2015. Collection method: not provided. Allele origin: germline. Inheritance: Autosomal recessive inheritance. Affected: yes.